The following is an entry in ClinVar:

ClinVar aggregate classification (germline): Uncertain significance (1 of 4 stars; one submission).

Submission:

GeneDx
Classification: Uncertain significance. Last evaluated: 2025-11-06. Review status: criteria provided, single submitter. Criteria: GeneDx Variant Classification Process June 2021. Collection method: clinical testing. Allele origin: germline.
Comment: Not observed at significant frequency in large population cohorts (gnomAD); In silico analysis suggests that this missense variant does not alter protein structure/function; Has not been previously published as pathogenic or benign to our knowledge

NM_002204.4(ITGA3):c.1630T>C (p.Ser544Pro)

Gene: ITGA3 (integrin subunit alpha 3; plus strand). Cytogenetic location: 17q21.33.
Variant type: single nucleotide variant.
Coding change: c.1630T>C on transcript NM_002204.4 (MANE Select); coding-DNA position 1630, T replaced by C.
Protein change: p.Ser544Pro; replaces serine 544 with proline.
Molecular consequence: missense variant.
Genome position (GRCh38, 1-based): chr17:50,075,691, T>C. VCF-style: chr17-50075691-T-C. GRCh37 (hg19) VCF-style: chr17-48153055-T-C.
Other names: short protein forms S544P.
Identifiers: ClinVar variation 3573787 (VCV003573787.2).